The following is an entry in ClinVar:

ClinVar aggregate classification (germline): Conflicting classifications of pathogenicity. Review status: criteria provided, conflicting classifications (1 of 4 stars). 4 submissions from 4 submitters: Uncertain significance (3); Likely benign (1). Last evaluated 2025-03-04.

Conditions:
Birt-Hogg-Dube syndrome. Also called: Birt Hogg Dubé syndrome. Identifiers: Orphanet 122, MedGen C0346010, MONDO:0800444.
Hereditary cancer-predisposing syndrome. Also called: Neoplastic Syndromes, Hereditary; Hereditary neoplastic syndrome; Tumor predisposition; Hereditary Cancer Syndrome. Identifiers: Orphanet 140162, MedGen C0027672, MeSH D009386, MONDO:0015356.

Allele frequency attached by ClinVar (database versions not stated): ExAC 0.00001; gnomAD 0.00001; gnomAD exomes 0.00001; TOPMed 0.00001.

Submissions (4):

Center for Genomic Medicine, Rigshospitalet, Copenhagen University Hospital
Classification: Uncertain significance. Last evaluated: 2025-03-04. Review status: criteria provided, single submitter. Criteria: ACMG Guidelines, 2015. Collection method: clinical testing. Allele origin: germline.

Labcorp Genetics (formerly Invitae), Labcorp
Classification: Uncertain significance for Birt-Hogg-Dube syndrome. Last evaluated: 2024-11-27. Review status: criteria provided, single submitter. Criteria: Invitae Variant Classification Sherloc (09022015). Collection method: clinical testing. Allele origin: germline.
Comment: This sequence change replaces threonine, which is neutral and polar, with methionine, which is neutral and non-polar, at codon 227 of the FLCN protein (p.Thr227Met). This variant is present in population databases (rs747675386, gnomAD 0.004%). This variant has not been reported in the literature in individuals affected with FLCN-related conditions. ClinVar contains an entry for this variant (Variation ID: 529983). Invitae Evidence Modeling of protein sequence and biophysical properties (such as structural, functional, and spatial information, amino acid conservation, physicochemical variation, residue mobility, and thermodynamic stability) indicates that this missense variant is not expected to disrupt FLCN protein function with a negative predictive value of 80%. In summary, the available evidence is currently insufficient to determine the role of this variant in disease. Therefore, it has been classified as a Variant of Uncertain Significance.

GeneDx
Classification: Uncertain significance. Last evaluated: 2024-02-21. Review status: criteria provided, single submitter. Criteria: GeneDx Variant Classification Process June 2021. Collection method: clinical testing. Allele origin: germline. Affected: yes.
Comment: Not observed at significant frequency in large population cohorts (gnomAD); In silico analysis, which includes protein predictors and evolutionary conservation, supports that this variant does not alter protein structure/function; Has not been previously published as pathogenic or benign to our knowledge

Ambry Genetics
Classification: Likely benign for Hereditary cancer-predisposing syndrome. Last evaluated: 2023-07-28. Review status: criteria provided, single submitter. Criteria: Ambry Variant Classification Scheme 2023. Collection method: clinical testing. Allele origin: germline.

NM_144997.7(FLCN):c.680C>T (p.Thr227Met)

Gene: FLCN (folliculin; minus strand). Cytogenetic location: 17p11.2.
Variant type: single nucleotide variant.
Coding change: c.680C>T on transcript NM_144997.7 (MANE Select); coding-DNA position 680, C replaced by T.
Protein change: p.Thr227Met; replaces threonine 227 with methionine.
Molecular consequence: missense variant.
Genome position (GRCh38, 1-based): chr17:17,222,600, G>A on the plus strand (C>T on the coding strand, the complement: FLCN is on the minus strand). VCF-style: chr17-17222600-G-A. GRCh37 (hg19) VCF-style: chr17-17125914-G-A.
Other names: c.680C>T (LRG_325t1); c.734C>T, p.Thr245Met (NM_001353229.2); c.680C>T, p.Thr227Met (NM_001353230.2, NM_001353231.2, NM_144606.7); short protein forms T227M, T245M.
Identifiers: ClinVar variation 529983 (VCV000529983.14), dbSNP rs747675386, ClinGen allele CA8416340.